The following is an entry in ClinVar:

ClinVar aggregate classification (germline): Uncertain significance (1 of 4 stars; one submission).

Conditions:
IRS1-related disorder. Also called: IRS1-related condition.

gnomAD v4.1: 2 of 1,506,588 alleles (0.00013%); highest among the groups gnomAD compares: African/African-American, 0.0029%; no homozygotes.

Submission:

PreventionGenetics, part of Exact Sciences
Classification: Uncertain significance for IRS1-related condition. Last evaluated: 2023-03-01. Review status: criteria provided, single submitter. Criteria: ACMG Guidelines, 2015. Collection method: clinical testing. Allele origin: germline.
Comment: The IRS1 c.3635G>A variant is predicted to result in the amino acid substitution p.Gly1212Asp. To our knowledge, this variant has not been reported in the literature. This variant is reported in 0.013% of alleles in individuals of African descent in gnomAD. At this time, the clinical significance of this variant is uncertain due to the absence of conclusive functional and genetic evidence.

NM_005544.3(IRS1):c.3635G>A (p.Gly1212Asp)

Gene: IRS1 (insulin receptor substrate 1; minus strand). Cytogenetic location: 2q36.3.
Variant type: single nucleotide variant.
Coding change: c.3635G>A on transcript NM_005544.3 (MANE Select); coding-DNA position 3635, G replaced by A.
Protein change: p.Gly1212Asp; replaces glycine 1212 with aspartic acid.
Molecular consequence: missense variant.
Genome position (GRCh38, 1-based): chr2:226,795,104, C>T on the plus strand (G>A on the coding strand, the complement: IRS1 is on the minus strand). VCF-style: chr2-226795104-C-T. GRCh37 (hg19) VCF-style: chr2-227659820-C-T.
Other names: short protein forms G1212D.
Identifiers: ClinVar variation 2628908 (VCV002628908.1), dbSNP rs973649983, ClinGen allele CA66566411.